The following is an entry in ClinVar:

NM_001079866.2(BCS1L):c.-43G>A

Gene: BCS1L (BCS1 ubiquinol-cytochrome c reductase complex chaperone; plus strand). Cytogenetic location: 2q35.
Variant type: single nucleotide variant.
Coding change: c.-43G>A on transcript NM_001079866.2 (MANE Select); 43 bases upstream of the start codon, G replaced by A.
Molecular consequence: 5 prime UTR variant. On other transcripts: non-coding transcript variant (1), intron variant (4).
Genome position (GRCh38, 1-based): chr2:218,660,945, G>A. VCF-style: chr2-218660945-G-A. GRCh37 (hg19) VCF-style: chr2-219525668-G-A.
Other names: c.-43G>A (NM_001257342.2, NM_001257343.2, NM_001257344.2 and 9 more transcripts); c.-519G>A (NM_001371453.1, NM_001371454.1, NM_001371455.1 and 2 more transcripts); c.-41+197G>A (NM_001371451.1); c.-31-12G>A (NM_001371447.1); c.-40-461G>A (NM_001318836.2); c.-41-814G>A (NM_001371452.1).
Identifiers: ClinVar variation 214155 (VCV000214155.5), dbSNP rs145989550, ClinGen allele CA323137.

ClinVar aggregate classification (germline): Conflicting classifications of pathogenicity. Review status: criteria provided, conflicting classifications (1 of 4 stars). 4 submissions from 2 submitters: Uncertain significance (3); Benign (1). Last evaluated 2018-01-12.

Conditions:
Leigh syndrome (NULS). Also called: Subacute necrotizing encephalopathy; Necrotizing encephalopathy infantile subacute of Leigh; Leigh's syndrome; Leigh Disease; LEIGH SYNDROME, NUCLEAR; Leigh's necrotizing encephalopathy. Identifiers: Orphanet 506, MedGen C2931891, MONDO:0009723, OMIM 256000.
GRACILE syndrome (FLNMS). Also called: FELLMAN SYNDROME; FINNISH LETHAL NEONATAL METABOLIC SYNDROME. Identifiers: Orphanet 53693, MedGen C1864002, MONDO:0011308, OMIM 603358.
Mitochondrial complex III deficiency nuclear type 1. Identifiers: Orphanet 254902, MedGen C3541471, MONDO:0007415, OMIM 124000.

Allele frequency attached by ClinVar (database versions not stated): 1000 Genomes Project 0.00060; 1000 Genomes Project 30x 0.00078; TOPMed 0.00134; ESP Exome Variant Server 0.00136.
gnomAD v4.1: 3,280 of 1,606,674 alleles (0.2%); highest among the groups gnomAD compares: Non-Finnish European, 0.25%; 4 homozygotes.

Submissions (4):

Illumina Laboratory Services, Illumina
Classification: Uncertain significance for GRACILE syndrome. Last evaluated: 2018-01-12. Review status: criteria provided, single submitter. Criteria: ICSL Variant Classification Criteria 13 December 2019. Collection method: clinical testing. Allele origin: germline.

Illumina Laboratory Services, Illumina
Classification: Uncertain significance for Leigh syndrome. Last evaluated: 2018-01-12. Review status: criteria provided, single submitter. Criteria: ICSL Variant Classification Criteria 13 December 2019. Collection method: clinical testing. Allele origin: germline.

Illumina Laboratory Services, Illumina
Classification: Uncertain significance for Mitochondrial complex III deficiency nuclear type 1. Last evaluated: 2018-01-12. Review status: criteria provided, single submitter. Criteria: ICSL Variant Classification Criteria 13 December 2019. Collection method: clinical testing. Allele origin: germline.

GeneDx
Classification: Benign. Last evaluated: 2014-10-08. Review status: criteria provided, single submitter. Criteria: GeneDx Variant Classification (06012015). Collection method: clinical testing. Allele origin: germline. Affected: yes.
Comment: This variant is considered likely benign or benign based on one or more of the following criteria: it is a conservative change, it occurs at a poorly conserved position in the protein, it is predicted to be benign by multiple in silico algorithms, and/or has population frequency not consistent with disease.